The following is an entry in ClinVar:

NM_000045.4(ARG1):c.467T>C (p.Ile156Thr)

Genes: ARG1 (arginase 1; plus strand), MED23 (mediator complex subunit 23; minus strand). Cytogenetic location: 6q23.2.
Variant type: single nucleotide variant.
Coding change: c.467T>C on transcript NM_000045.4 (MANE Select); coding-DNA position 467, T replaced by C.
Protein change: p.Ile156Thr; replaces isoleucine 156 with threonine.
Molecular consequence: missense variant. On other transcripts: non-coding transcript variant (1), intron variant (3).
Genome position (GRCh38, 1-based): chr6:131,582,622, T>C. VCF-style: chr6-131582622-T-C. GRCh37 (hg19) VCF-style: chr6-131903762-T-C.
Other names: c.491T>C, p.Ile164Thr (NM_001244438.2); c.306-438T>C (NM_001369020.1); c.4077+5087A>G (NM_001270521.2); c.4095+5087A>G (NM_015979.4); short protein forms I156T, I164T.
Identifiers: ClinVar variation 4077230 (VCV004077230.1).

ClinVar aggregate classification (germline): Uncertain significance (1 of 4 stars; one submission).

gnomAD v4.1: 44 of 1,612,636 alleles (0.0027%); highest among the groups gnomAD compares: Non-Finnish European, 0.0034%; no homozygotes.

Submission:

GeneDx
Classification: Uncertain significance. Last evaluated: 2025-02-26. Review status: criteria provided, single submitter. Criteria: GeneDx Variant Classification Process June 2021. Collection method: clinical testing. Allele origin: germline. Affected: yes.
Comment: Not observed at significant frequency in large population cohorts (gnomAD); In silico analysis indicates that this missense variant does not alter protein structure/function; Has not been previously published as pathogenic or benign to our knowledge